The following is an entry in ClinVar:

ClinVar aggregate classification (germline): Pathogenic. Review status: reviewed by expert panel (3 of 4 stars). 25 submissions from 25 submitters: Pathogenic (1). 24 of the submissions do not count toward it. Last evaluated 2016-04-22.

Conditions:
Breast-ovarian cancer, familial, susceptibility to, 2 (BROVCA2). Also called: BRCA2 Hereditary Breast and Ovarian Cancer. Identifiers: Orphanet 145, MedGen C2675520, MONDO:0012933, OMIM 612555. Disease mechanism: loss of function.
Fanconi anemia complementation group D1. Also called: BRCA2-Related Fanconi Anemia. Identifiers: Orphanet 319462, MedGen C1838457, MONDO:0011584, OMIM 605724.
Medulloblastoma (MDB). Also called: MEDULLOBLASTOMA PREDISPOSITION SYNDROME; Medulloblastoma, somatic. Identifiers: Orphanet 616, MedGen C0025149, MeSH D008527, MONDO:0007959, OMIM 155255, HP:0002885.
Pancreatic cancer, susceptibility to, 2. Identifiers: Orphanet 1333, MedGen C3150546, MONDO:0013235, OMIM 613347.
Glioma susceptibility 3 (GLM3). Also called: Glioblastoma 3. Identifiers: Orphanet 182067, Orphanet 360, MedGen C2751641, MONDO:0013093, OMIM 613029.
Wilms tumor 1 (WT1). Also called: Wilms tumor, somatic. Identifiers: Orphanet 654, MedGen CN033288, MONDO:0008679, OMIM 194070.
Familial cancer of breast. Also called: hereditary breast carcinoma; BREAST CANCER, FAMILIAL; Hereditary breast cancer. Identifiers: Orphanet 227535, MedGen C0346153, MONDO:0016419, OMIM 114480. Disease mechanism: loss of function.
Prostate cancer. Also called: Malignant tumor of prostate. Identifiers: Orphanet 1331, MedGen C0376358, MONDO:0008315, HP:0012125.
Hereditary cancer-predisposing syndrome. Also called: Hereditary Cancer Syndrome; Neoplastic Syndromes, Hereditary; Hereditary neoplastic syndrome; Tumor predisposition. Identifiers: Orphanet 140162, MedGen C0027672, MeSH D009386, MONDO:0015356.
Hereditary breast ovarian cancer syndrome. Also called: Hereditary breast and ovarian cancer syndrome; Breast and ovarian cancer; Hereditary breast and ovarian cancer syndrome (HBOC); BRCA1- and BRCA2-Associated Hereditary Breast and Ovarian Cancer; Hereditary breast and/or ovarian cancer syndrome; Hereditary breast and ovarian cancer. Identifiers: Orphanet 145, MedGen C0677776, MeSH D061325, MONDO:0003582. Disease mechanism: loss of function.
Malignant tumor of breast. Also called: Malignant breast neoplasm; Cancer breast. Identifiers: MedGen C0006142, MONDO:0007254. Disease mechanism: loss of function.

Submissions 1 to 8 of 25:

Evidence-based Network for the Interpretation of Germline Mutant Alleles (ENIGMA)
Classification: Pathogenic for Breast-ovarian cancer, familial, susceptibility to, 2. Last evaluated: 2016-04-22. Review status: reviewed by expert panel. Criteria: ENIGMA BRCA1/2 Classification Criteria (2015). Collection method: curation. Allele origin: germline.
Comment: Variant allele predicted to encode a truncated non-functional protein.

Labcorp Genetics (formerly Invitae), Labcorp
Classification: Pathogenic for Hereditary breast ovarian cancer syndrome. Last evaluated: 2025-12-30. Review status: criteria provided, single submitter. Criteria: Invitae Variant Classification Sherloc (09022015). Collection method: clinical testing. Allele origin: germline. Not counted in ClinVar's aggregate classification.
Comment: This sequence change creates a premature translational stop signal (p.Leu3135Phefs*28) in the BRCA2 gene. It is expected to result in an absent or disrupted protein product. Loss-of-function variants in BRCA2 are known to be pathogenic (PMID: 20104584). This variant is not present in population databases (gnomAD no frequency). This premature translational stop signal has been observed in individual(s) with breast and/or ovarian cancer (PMID: 15024741, 15146557, 18489799, 21203900, 22160602). This variant is also known as 9630delC and 9631delC. ClinVar contains an entry for this variant (Variation ID: 52831). For these reasons, this variant has been classified as Pathogenic.

Molecular Pathology, Peter Maccallum Cancer Centre
Classification: Pathogenic for Breast-ovarian cancer, familial, susceptibility to, 2. Last evaluated: 2025-06-11. Review status: criteria provided, single submitter. Criteria: ACMG Guidelines, 2015. Collection method: clinical testing. Allele origin: germline. Inheritance: Autosomal dominant inheritance. Not counted in ClinVar's aggregate classification.

Ambry Genetics
Classification: Pathogenic for Hereditary cancer-predisposing syndrome. Last evaluated: 2024-05-23. Review status: criteria provided, single submitter. Criteria: Ambry Variant Classification Scheme 2023. Collection method: clinical testing. Allele origin: germline. Not counted in ClinVar's aggregate classification.
Comment: The c.9403delC pathogenic mutation, located in coding exon 24 of the BRCA2 gene, results from a deletion of one nucleotide at nucleotide position 9403, causing a translational frameshift with a predicted alternate stop codon (p.L3135Ffs*28). This alteration has been detected in multiple families with hereditary breast and/or ovarian cancer (Santarosa M et al. Int. J. Cancer. 1999 Sep;83:5-9; Grzybowska E et al. Hum. Mutat. 2000 Dec;16:482-90; Foretova L et al. Hum. Mutat. 2004 Apr;23:397-8; G&oacute;rski B et al. Int J Cancer, 2004 Jul;110:683-6; Schneegans SM et al. Fam. Cancer. 2012 Jun;11:181-8; Wojcik P et al. Hered. Cancer Clin. Pract. 2016 Feb;14:5; Carter NJ et al. Gynecol Oncol, 2018 12;151:481-488; Heramb C et al. Hered Cancer Clin Pract, 2018 Jan;16:3). Of note, this alteration is also designated 9631delC, 9630delC, and 9402delC in published literature. In addition to the clinical data presented in the literature, this alteration is expected to result in loss of function by premature protein truncation or nonsense-mediated mRNA decay. As such, this alteration is interpreted as a disease-causing mutation.

ARUP Laboratories, Molecular Genetics and Genomics, ARUP Laboratories
Classification: Pathogenic. Last evaluated: 2024-05-03. Review status: criteria provided, single submitter. Criteria: ARUP Molecular Germline Variant Investigation Process 2024. Collection method: clinical testing. Allele origin: germline. Not counted in ClinVar's aggregate classification.
Comment: The BRCA2 c.9403delC; p.Leu3135fs variant (rs80359760, ClinVar variation ID: 52831), also known as 9631delC in traditional nomenclature, is reported in the literature in individuals and families affected with breast and ovarian cancer (Balabas 2010, Foretova 2004, Grzybowska 2000, Heramb 2018, Konecny 2011, Machackova 2008, Marroni 2004, Santarosa 1999, Schneegans 2012, Wojcik 2016). This variant is absent from the Genome Aggregation Database (v2.1.1), indicating it is not a common polymorphism. This variant causes a frameshift by deleting a single nucleotide, so it is predicted to result in a truncated protein or mRNA subject to nonsense-mediated decay. Based on available information, this variant is considered to be pathogenic. References: Balabas A et al. Novel germline mutations in BRCA2 gene among breast and breast-ovarian cancer families from Poland. Fam Cancer. 2010 Sep;9(3):267-74. PMID: 20383589. Foretova L et al. BRCA1 and BRCA2 mutations in women with familial or early-onset breast/ovarian cancer in the Czech Republic. Hum Mutat. 2004 Apr;23(4):397-8. PMID: 15024741. Grzybowska E et al. High frequency of recurrent mutations in BRCA1 and BRCA2 genes in Polish families with breast and ovarian cancer. Hum Mutat. 2000 Dec;16(6):482-90. PMID: 11102977. Heramb C et al. BRCA1 and BRCA2 mutation spectrum - an update on mutation distribution in a large cancer genetics clinic in Norway. Hered Cancer Clin Pract. 2018 Jan 10;16:3. PMID: 29339979. Konecny M et al. Comprehensive genetic characterization of hereditary breast/ovarian cancer families from Slovakia. Breast Cancer Res Treat. 2011 Feb;126(1):119-30. PMID: 21203900. Machackova E et al. Spectrum and characterisation of BRCA1 and BRCA2 deleterious mutations in high-risk Czech patients with breast and/or ovarian cancer. BMC Cancer. 2008 May 20;8:140. PMID: 18489799. Marroni F et al. Penetrances of breast and ovarian cancer in a large series of families tested for BRCA1/2 mutations. Eur J Hum Genet. 2004 Nov;12(11):899-906. PMID: 15340362. Santarosa M et al. BRCA1 and BRCA2 genes: role in hereditary breast and ovarian cancer in Italy. Int J Cancer. 1999 Sep 24;83(1):5-9. PMID: 10449599. Schneegans SM et al. Validation of three BRCA1/2 mutation-carrier probability models Myriad, BRCAPRO and BOADICEA in a population-based series of 183 German families. Fam Cancer. 2012 Jun;11(2):181-8. PMID: 22160602. Wojcik P et al. Recurrent mutations of BRCA1, BRCA2 and PALB2 in the population of breast and ovarian cancer patients in Southern Poland. Hered Cancer Clin Pract. 2016 Feb 3;14:5. PMID: 26843898.

Baylor Genetics
Classification: Pathogenic for Familial cancer of breast. Last evaluated: 2024-03-11. Review status: criteria provided, single submitter. Criteria: ACMG Guidelines, 2015. Collection method: clinical testing. Allele origin: unknown. Not counted in ClinVar's aggregate classification.

GeneDx
Classification: Pathogenic. Last evaluated: 2023-11-08. Review status: criteria provided, single submitter. Criteria: GeneDx Variant Classification Process June 2021. Collection method: clinical testing. Allele origin: germline. Affected: yes. Not counted in ClinVar's aggregate classification.
Comment: Frameshift variant predicted to result in protein truncation or nonsense mediated decay in a gene for which loss of function is a known mechanism of disease; Truncating variants in this gene are considered pathogenic by a well-established clinical consortium and/or database; Not observed at significant frequency in large population cohorts (gnomAD); Also known as 9631delC; This variant is associated with the following publications: (PMID: 15146557, 21203900, 15024741, 22160602, 18489799, 26843898, 30787465, 30322717, 32341426, 33724863, 29922827, 29339979, 28888541, 31723001, 29446198, 31173646, 29534594, 33471991, 27376475)

MGZ Medical Genetics Center
Classification: Pathogenic for Breast-ovarian cancer, familial, susceptibility to, 2. Last evaluated: 2022-04-21. Review status: criteria provided, single submitter. Criteria: ACMG Guidelines, 2015. Collection method: clinical testing. Allele origin: germline. Affected: yes. Observed: 5 variant alleles. Not counted in ClinVar's aggregate classification.
Comment: ACMG criteria applied: PVS1, PS4_MOD, PM2_SUP

NM_000059.4(BRCA2):c.9403del

Gene: BRCA2 (BRCA2 DNA repair associated; plus strand). Cytogenetic location: 13q13.1.
Variant type: Deletion.
Coding change: c.9403del on transcript NM_000059.4 (MANE Select); coding-DNA position 9403, one base deleted (C; older notation c.9403delC).
Genome position (GRCh38, 1-based): chr13:32,394,835, C deleted; the last of 2 consecutive C bases (chr13:32,394,834-32,394,835); deleting either gives the same sequence. VCF-style (leftmost placement, unchanged base first): chr13-32394833-GC-G. GRCh37 (hg19) VCF-style: chr13-32968970-GC-G.
Other names: 9631delC; c.9403del, p.Leu3135fs (LRG_293t1); c.9403delC (NM_000059.3).
Identifiers: ClinVar variation 52831 (VCV000052831.38), dbSNP rs80359760, ClinGen allele CA026143.
Genomic context (GRCh38, chr13:32,394,833, plus strand): 5'-TTAAGCCTCATATGTTAATTGCTGCAAGCAACCTCCAGTGGCGACCAGAATCCAAATCAG[GC>G]CTTCTTACTTTATTTGCTGGAGATTTTTCTGTGTTTTCTGCTAGTCCAAAAGAGGGCCAC-3'